The following is an entry in ClinVar:

NM_015338.6(ASXL1):c.3135G>C (p.Lys1045Asn)

Gene: ASXL1 (ASXL transcriptional regulator 1; plus strand). Cytogenetic location: 20q11.21.
Variant type: single nucleotide variant.
Coding change: c.3135G>C on transcript NM_015338.6 (MANE Select); coding-DNA position 3135, G replaced by C.
Protein change: p.Lys1045Asn; replaces lysine 1045 with asparagine.
Molecular consequence: missense variant.
Genome position (GRCh38, 1-based): chr20:32,435,847, G>C. VCF-style: chr20-32435847-G-C. GRCh37 (hg19) VCF-style: chr20-31023650-G-C.
Other names: c.2952G>C, p.Lys984Asn (NM_001363734.1); short protein forms K1045N, K984N.
Identifiers: ClinVar variation 3670856 (VCV003670856.3).

ClinVar aggregate classification (germline): Uncertain significance. Review status: criteria provided, multiple submitters, no conflicts (2 of 4 stars). 2 submissions from 2 submitters: Uncertain significance (2). Last evaluated 2025-05-16.

Conditions:
Inborn genetic diseases. Identifiers: MedGen C0950123, MeSH D030342.

gnomAD v4.1: 1 of 1,614,202 alleles (0.000062%); highest among the groups gnomAD compares: Non-Finnish European, 0.000085%; no homozygotes.

Submissions (2):

Ambry Genetics
Classification: Uncertain significance for Inborn genetic diseases. Last evaluated: 2025-05-16. Review status: criteria provided, single submitter. Criteria: Ambry Variant Classification Scheme 2023. Collection method: clinical testing. Allele origin: germline.
Comment: The p.K1045N variant (also known as c.3135G>C), located in coding exon 13 of the ASXL1 gene, results from a G to C substitution at nucleotide position 3135. The lysine at codon 1045 is replaced by asparagine, an amino acid with similar properties. This amino acid position is conserved. In addition, this alteration is predicted to be tolerated by in silico analysis. Based on the available evidence, the clinical significance of this variant remains unclear.

Labcorp Genetics (formerly Invitae), Labcorp
Classification: Uncertain significance. Last evaluated: 2024-03-18. Review status: criteria provided, single submitter. Criteria: Invitae Variant Classification Sherloc (09022015). Collection method: clinical testing. Allele origin: germline.
Comment: This sequence change replaces lysine, which is basic and polar, with asparagine, which is neutral and polar, at codon 1045 of the ASXL1 protein (p.Lys1045Asn). This variant is not present in population databases (gnomAD no frequency). This variant has not been reported in the literature in individuals affected with ASXL1-related conditions. An algorithm developed to predict the effect of missense changes on protein structure and function (PolyPhen-2) suggests that this variant is likely to be tolerated. In summary, the available evidence is currently insufficient to determine the role of this variant in disease. Therefore, it has been classified as a Variant of Uncertain Significance.